The following is an entry in ClinVar:

NM_133259.4(LRPPRC):c.1349G>A (p.Arg450Gln)

Gene: LRPPRC (leucine rich pentatricopeptide repeat containing; minus strand). Cytogenetic location: 2p21.
Variant type: single nucleotide variant.
Coding change: c.1349G>A on transcript NM_133259.4 (MANE Select); coding-DNA position 1349, G replaced by A.
Protein change: p.Arg450Gln; replaces arginine 450 with glutamine.
Molecular consequence: missense variant.
Genome position (GRCh38, 1-based): chr2:43,973,627, C>T on the plus strand (G>A on the coding strand, the complement: LRPPRC is on the minus strand). VCF-style: chr2-43973627-C-T. GRCh37 (hg19) VCF-style: chr2-44200766-C-T.
Other names: short protein forms R450Q.
Identifiers: ClinVar variation 2203342 (VCV002203342.1), dbSNP rs754172387, ClinGen allele CA1639013.

ClinVar aggregate classification (germline): Uncertain significance (1 of 4 stars; one submission).

Allele frequency attached by ClinVar (database versions not stated): gnomAD exomes 0.00001; TOPMed 0.00001; ExAC 0.00002.
gnomAD v4.1: 17 of 1,613,200 alleles (0.0011%); highest among the groups gnomAD compares: East Asian, 0.0045%; no homozygotes.

Submission:

Labcorp Genetics (formerly Invitae), Labcorp
Classification: Uncertain significance. Last evaluated: 2022-03-04. Review status: criteria provided, single submitter. Criteria: Invitae Variant Classification Sherloc (09022015). Collection method: clinical testing. Allele origin: germline.
Comment: This sequence change replaces arginine, which is basic and polar, with glutamine, which is neutral and polar, at codon 450 of the LRPPRC protein (p.Arg450Gln). This variant is present in population databases (rs754172387, gnomAD 0.01%). This variant has not been reported in the literature in individuals affected with LRPPRC-related conditions. Algorithms developed to predict the effect of missense changes on protein structure and function output the following: SIFT: "Tolerated"; PolyPhen-2: "Benign"; Align-GVGD: "Class C0". The glutamine amino acid residue is found in multiple mammalian species, which suggests that this missense change does not adversely affect protein function. In summary, the available evidence is currently insufficient to determine the role of this variant in disease. Therefore, it has been classified as a Variant of Uncertain Significance.